The following is an entry in ClinVar:

ClinVar aggregate classification (germline): Uncertain significance (1 of 4 stars; one submission).

Conditions:
Neurodevelopmental disorder with hypotonia and variable intellectual and behavioral abnormalities. Identifiers: MedGen C5231423, MONDO:0032829, OMIM 618603.

Submission:

3billion
Classification: Uncertain significance for Neurodevelopmental disorder with hypotonia and variable intellectual and behavioral abnormalities. Last evaluated: 2025-11-05. Review status: criteria provided, single submitter. Criteria: ACMG Guidelines, 2015. Collection method: clinical testing. Allele origin: germline. Affected: yes.
Comment: The variant is not observed in the gnomAD v4.1.0 dataset. Predicted Consequence/Location: Missense variant. Missense changes are a common disease-causing mechanism. Therefore, this variant is classified as VUS according to the recommendation of ACMG/AMP guideline.

NM_000937.5(POLR2A):c.2518G>A (p.Ala840Thr)

Genes: POLR2A (RNA polymerase II subunit A; plus strand), LOC126862481 (BRD4-independent group 4 enhancer GRCh37_chr17:7405086-7406285; plus strand). Cytogenetic location: 17p13.1.
Variant type: single nucleotide variant.
Coding change: c.2518G>A on transcript NM_000937.5 (MANE Select); coding-DNA position 2518, G replaced by A.
Protein change: p.Ala840Thr; replaces alanine 840 with threonine.
Molecular consequence: missense variant.
Genome position (GRCh38, 1-based): chr17:7,502,068, G>A. VCF-style: chr17-7502068-G-A. GRCh37 (hg19) VCF-style: chr17-7405387-G-A.
Other names: short protein forms A840T.
Identifiers: ClinVar variation 4854281 (VCV004854281.1).